The following is an entry in ClinVar:

NM_005422.4(TECTA):c.4519G>A (p.Ala1507Thr)

Genes: TBCEL-TECTA (TBCEL-TECTA readthrough; plus strand), TECTA (tectorin alpha; plus strand). Cytogenetic location: 11q23.3.
Variant type: single nucleotide variant.
Coding change: c.4519G>A on transcript NM_005422.4 (MANE Select); coding-DNA position 4519, G replaced by A.
Protein change: p.Ala1507Thr; replaces alanine 1507 with threonine.
Molecular consequence: missense variant.
Genome position (GRCh38, 1-based): chr11:121,158,054, G>A. VCF-style: chr11-121158054-G-A. GRCh37 (hg19) VCF-style: chr11-121028763-G-A.
Other names: c.5476G>A, p.Ala1826Thr (NM_001378761.1); short protein forms A1507T, A1826T.
Identifiers: ClinVar variation 2332363 (VCV002332363.3), dbSNP rs1263854753, ClinGen allele CA383027265.

ClinVar aggregate classification (germline): Uncertain significance. Review status: criteria provided, multiple submitters, no conflicts (2 of 4 stars). 2 submissions from 2 submitters: Uncertain significance (2). Last evaluated 2025-03-16.

Conditions:
Inborn genetic diseases. Identifiers: MedGen C0950123, MeSH D030342.

Allele frequency attached by ClinVar (database versions not stated): gnomAD exomes below 0.00001; TOPMed below 0.00001.
gnomAD v4.1: 2 of 1,613,484 alleles (0.00012%); highest among the groups gnomAD compares: East Asian, 0.0045%; no homozygotes.

Submissions (2):

Labcorp Genetics (formerly Invitae), Labcorp
Classification: Uncertain significance. Last evaluated: 2025-03-16. Review status: criteria provided, single submitter. Criteria: Invitae Variant Classification Sherloc (09022015). Collection method: clinical testing. Allele origin: germline.
Comment: This sequence change replaces alanine, which is neutral and non-polar, with threonine, which is neutral and polar, at codon 1507 of the TECTA protein (p.Ala1507Thr). The frequency data for this variant in the population databases is considered unreliable, as metrics indicate poor data quality at this position in the gnomAD database. This variant has not been reported in the literature in individuals affected with TECTA-related conditions. ClinVar contains an entry for this variant (Variation ID: 2332363). Invitae Evidence Modeling of protein sequence and biophysical properties (such as structural, functional, and spatial information, amino acid conservation, physicochemical variation, residue mobility, and thermodynamic stability) indicates that this missense variant is not expected to disrupt TECTA protein function with a negative predictive value of 95%. In summary, the available evidence is currently insufficient to determine the role of this variant in disease. Therefore, it has been classified as a Variant of Uncertain Significance.

Ambry Genetics
Classification: Uncertain significance for Inborn genetic diseases. Last evaluated: 2022-12-02. Review status: criteria provided, single submitter. Criteria: Ambry Variant Classification Scheme 2023. Collection method: clinical testing. Allele origin: germline.